The following is an entry in ClinVar:

NM_206933.4(USH2A):c.5109T>G (p.Tyr1703Ter)

Genes: USH2A (usherin; minus strand), USH2A-AS2 (USH2A antisense RNA 2; plus strand). Cytogenetic location: 1q41.
Variant type: single nucleotide variant.
Coding change: c.5109T>G on transcript NM_206933.4 (MANE Select); coding-DNA position 5109, T replaced by G.
Protein change: p.Tyr1703Ter; replaces tyrosine 1703 with a stop codon.
Molecular consequence: nonsense.
Genome position (GRCh38, 1-based): chr1:216,084,756, A>C on the plus strand (T>G on the coding strand, the complement: USH2A is on the minus strand). VCF-style: chr1-216084756-A-C. GRCh37 (hg19) VCF-style: chr1-216258098-A-C.
Other names: short protein forms Y1703*.
Identifiers: ClinVar variation 1995065 (VCV001995065.4), dbSNP rs751117857, ClinGen allele CA344858922.

ClinVar aggregate classification (germline): Pathogenic (1 of 4 stars; one submission).

Submission:

Labcorp Genetics (formerly Invitae), Labcorp
Classification: Pathogenic. Last evaluated: 2024-03-11. Review status: criteria provided, single submitter. Criteria: Invitae Variant Classification Sherloc (09022015). Collection method: clinical testing. Allele origin: germline.
Comment: This sequence change creates a premature translational stop signal (p.Tyr1703*) in the USH2A gene. It is expected to result in an absent or disrupted protein product. Loss-of-function variants in USH2A are known to be pathogenic (PMID: 10729113, 10909849, 20507924, 25649381). This variant is not present in population databases (gnomAD no frequency). This variant has not been reported in the literature in individuals affected with USH2A-related conditions. ClinVar contains an entry for this variant (Variation ID: 1995065). Algorithms developed to predict the effect of sequence changes on RNA splicing suggest that this variant may disrupt the consensus splice site. For these reasons, this variant has been classified as Pathogenic.

Literature cited by the submitters: PubMed 10729113; PubMed 10909849; PubMed 20507924; PubMed 25649381.